The following is an entry in ClinVar:

NM_000203.5(IDUA):c.1225G>C (p.Gly409Arg)

Gene: IDUA (alpha-L-iduronidase; plus strand). Cytogenetic location: 4p16.3.
Variant type: single nucleotide variant.
Coding change: c.1225G>C on transcript NM_000203.5 (MANE Select); coding-DNA position 1225, G replaced by C.
Protein change: p.Gly409Arg; replaces glycine 409 with arginine.
Molecular consequence: missense variant. On other transcripts: non-coding transcript variant (1).
Genome position (GRCh38, 1-based): chr4:1,002,767, G>C. VCF-style: chr4-1002767-G-C. GRCh37 (hg19) VCF-style: chr4-996555-G-C.
Other names: c.829G>C, p.Gly277Arg (NM_001363576.1); short protein forms G409R, G277R.
Identifiers: ClinVar variation 92627 (VCV000092627.37), dbSNP rs11934801, ClinGen allele CA248659.
Genomic context (GRCh38, chr4:1,002,767, plus strand): 5'-GCGACGGCCCCCCCCCGCCCCGCAGATGAGGAGCAGCTCTGGGCCGAAGTGTCGCAGGCC[G>C]GGACCGTCCTGGACAGCAACCACACGGTGGGCGTCCTGGCCAGCGCCCACCGCCCCCAGG-3'
Protein context (NP_000194.2, residues 399-419): EQLWAEVSQA[Gly409Arg]TVLDSNHTVG

ClinVar aggregate classification (germline): Benign/Likely benign. Review status: criteria provided, multiple submitters, no conflicts (2 of 4 stars). 13 submissions from 13 submitters: Benign (5); Likely benign (3). 5 of the submissions do not count toward it. Last evaluated 2026-02-03.

Conditions:
Mucopolysaccharidosis type 1. Also called: Mucopolysaccharidosis Type I; IDUA deficiency; MPS I. Identifiers: Orphanet 579, MedGen C0023786, MONDO:0001586.
Hurler syndrome. Also called: MUCOPOLYSACCHARIDOSIS TYPE IH; Severe MPS I (Hurler Syndrome); Gargoylism, Hurler Syndrome. Identifiers: Orphanet 93473, MedGen C0086795, MONDO:0011758, OMIM 607014.

Allele frequency attached by ClinVar (database versions not stated): TOPMed 0.02008; gnomAD 0.01857 and 0.01974; 1000 Genomes Project 0.01498; ExAC 0.00329; gnomAD exomes 0.00358; 1000 Genomes Project 30x 0.01843.
gnomAD v4.1: 5,495 of 1,481,578 alleles (0.37%); highest among the groups gnomAD compares: African/African-American, 5.8%; 125 homozygotes.

Submissions (13):

Labcorp Genetics (formerly Invitae), Labcorp
Classification: Benign for Mucopolysaccharidosis type 1. Last evaluated: 2026-02-03. Review status: criteria provided, single submitter. Criteria: Invitae Variant Classification Sherloc (09022015). Collection method: clinical testing. Allele origin: germline.

Women's Health and Genetics/Laboratory Corporation of America, LabCorp
Classification: Benign. Last evaluated: 2022-03-07. Review status: criteria provided, single submitter. Criteria: LabCorp Variant Classification Summary - May 2015. Collection method: clinical testing. Allele origin: germline.
Comment: Variant summary: IDUA c.1225G>C (p.Gly409Arg) results in a non-conservative amino acid change in the encoded protein sequence. Four of five in-silico tools predict a damaging effect of the variant on protein function. The variant allele was found at a frequency of 0.0072 in 118354 control chromosomes (gnomAD), predominantly at a frequency of 0.057 within the African or African-American subpopulation in the gnomAD database, including 16 homozygotes. The observed variant frequency within African or African-American control individuals in the gnomAD database is approximately 21 fold of the estimated maximal expected allele frequency for a pathogenic variant in IDUA causing Mucopolysaccharidosis Type 1 (0.0027), strongly suggesting that the variant is a benign polymorphism found primarily in populations of African or African-American origin. Nine ClinVar submitters have assessed the variant since 2014: two classified the variant as of uncertain significance, three as likely benign, and four as benign. Based on the evidence outlined above, the variant was classified as benign.

GeneDx
Classification: Likely benign. Last evaluated: 2020-12-04. Review status: criteria provided, single submitter. Criteria: GeneDx Variant Classification Process June 2021. Collection method: clinical testing. Allele origin: germline. Affected: yes.
Comment: Appears to be a hypomorphic allele. Functional studies indicate that this variant reduces protein activity to 61% (Bach et al., 1993), which is not in the pathogenic range for this enzyme.; This variant is associated with the following publications: (PMID: 30709774, 31133280, 28676128, 27335677, 8328452, 21228398)

Broad Center for Mendelian Genomics, Broad Institute of MIT and Harvard
Classification: Benign for Mucopolysaccharidosis type 1. Last evaluated: 2020-01-13. Review status: criteria provided, single submitter. Criteria: ACMG Guidelines, 2015. Collection method: curation. Allele origin: germline. Inheritance: Autosomal recessive inheritance.
Comment: The p.Gly409Arg variant has not been previously reported in individuals with mucopolysaccharidosis (MPS) but has been identified in 5.567% (555/9810) of African chromosomes, including 16 homozygotes, and 3 additional homozygotes in other populations, by the Genome Aggregation Database (gnomAD; dbSNP rs11934801). This variant has been seen in the general population at a frequency high enough to rule out a pathogenic role. This variant has also been reported in ClinVar as benign by Invitae, EGL Genetic Diagnostics, and Children's Mercy Hospital and Clinics, likely benign by Illumina, and a VUS by the Children's Hospital of Philadelphia and the NUS Institute of Precision Medicine (Variation ID: 92627). It has also been reported in the heterozygous state and described as a pseudodeficiency allele in an unaffected individual from newborn screening, suggesting that this variant is not pathogenic for disease (PMID: 31133280). In summary, this variant meets criteria to be classified as benign for mucopolysaccharidosis in an autosomal recessive manner based on the high frequency of the variant in the general population. ACMG/AMP Criteria applied: BA1, BS2 (Richards 2015).

Mendelics
Classification: Likely benign for Hurler syndrome. Last evaluated: 2019-05-28. Review status: criteria provided, single submitter. Criteria: Mendelics Assertion Criteria 2017. Collection method: clinical testing. Allele origin: unknown.

Illumina Laboratory Services, Illumina
Classification: Likely benign for Mucopolysaccharidosis type 1. Last evaluated: 2017-04-27. Review status: criteria provided, single submitter. Criteria: ICSL Variant Classification Criteria 13 December 2019. Collection method: clinical testing. Allele origin: germline.
Comment: This variant was observed as part of a predisposition screen in an ostensibly healthy population. A literature search was performed for the gene, cDNA change, and amino acid change (where applicable). Publications were found based on this search. The evidence from the literature, in combination with allele frequency data from public databases where available, was sufficient to determine this variant is unlikely to cause disease. Therefore, this variant is classified as likely benign.

Center for Pediatric Genomic Medicine, Children's Mercy Hospital and Clinics
Classification: Benign. Last evaluated: 2016-09-08. Review status: criteria provided, single submitter. Criteria: ACMG Guidelines, 2015. Collection method: clinical testing. Allele origin: germline.

Eurofins Ntd Llc (ga)
Classification: Benign. Last evaluated: 2015-03-09. Review status: criteria provided, single submitter. Criteria: EGL Classification Definitions 2015. Collection method: clinical testing. Allele origin: germline. Observed: 7 variant alleles, 6 heterozygotes, 1 homozygote.

Natera, Inc.
Classification: Benign for Mucopolysaccharidosis type I. Last evaluated: 2020-04-23. Review status: no assertion criteria provided. Collection method: clinical testing. Allele origin: germline. Not counted in ClinVar's aggregate classification.

Clinical Genetics, Academic Medical Center
Classification: Likely benign. Review status: no assertion criteria provided. Collection method: clinical testing. Allele origin: germline. Affected: yes. Study: VKGL Data-share Consensus. Not counted in ClinVar's aggregate classification.

Genome Diagnostics Laboratory, University Medical Center Utrecht
Classification: Benign. Review status: no assertion criteria provided. Collection method: clinical testing. Allele origin: germline. Affected: yes. Study: VKGL Data-share Consensus. Not counted in ClinVar's aggregate classification.

SingHealth Duke-NUS Institute of Precision Medicine
Classification: Uncertain significance for Hurler syndrome. Last evaluated: 2017-06-07. Review status: flagged submission. Collection method: curation. Allele origin: germline. Affected: no. Not counted in ClinVar's aggregate classification.
ClinVar note: Reason: Older and outlier claim with insufficient supporting evidence

Genomic Diagnostic Laboratory, Division of Genomic Diagnostics, Children's Hospital of Philadelphia
Classification: Uncertain significance. Last evaluated: 2015-06-08. Review status: flagged submission. Criteria: DGD Variant Analysis Guidelines. Collection method: clinical testing. Allele origin: unknown. Not counted in ClinVar's aggregate classification.
ClinVar note: Reason: Older and outlier claim with insufficient supporting evidence

Literature cited by the submitters: PubMed 31133280 (cited by Broad Center for Mendelian Genomics, Broad Institute of MIT and Harvard); PubMed 8328452 (cited by Illumina Laboratory Services, Illumina).